The following is an entry in ClinVar:

NM_022356.4(P3H1):c.306C>G (p.Ala102=)

Gene: P3H1 (prolyl 3-hydroxylase 1; minus strand). Cytogenetic location: 1p34.2.
Variant type: single nucleotide variant.
Coding change: c.306C>G on transcript NM_022356.4 (MANE Select); coding-DNA position 306, C replaced by G.
Protein change: p.Ala102=; no amino-acid change (alanine 102 retained).
Molecular consequence: synonymous variant.
Genome position (GRCh38, 1-based): chr1:42,766,666, G>C on the plus strand (C>G on the coding strand, the complement: P3H1 is on the minus strand). VCF-style: chr1-42766666-G-C. GRCh37 (hg19) VCF-style: chr1-43232337-G-C.
Other names: c.306C>G, p.Ala102= (NM_001146289.2, NM_001243246.2).
Identifiers: ClinVar variation 2638737 (VCV002638737.27), dbSNP rs1376137519, ClinGen allele CA417542648.
Genomic context (GRCh38, chr1:42,766,666, plus strand): 5'-GCGGCGCAGGCAGGCAGCGCGACGCAGAAGGCCCCCGAAGAAGCTCAGGTCGCGCAGGGC[G>C]GCGGCGCCCGAGGCCTGGGCCGGGCTGGGGGACCAGTCGGGGTCCAGCTCCCACGGGAAG-3'
Protein context (NP_071751.3, residues 92-112): SPSPAQASGA[Ala102=]ALRDLSFFGG

ClinVar aggregate classification (germline): Likely benign. Review status: criteria provided, multiple submitters, no conflicts (2 of 4 stars). 2 submissions from 2 submitters: Likely benign (2). Last evaluated 2026-02-01.

Conditions:
Osteogenesis imperfecta type 8 (OI8). Identifiers: MedGen C1970458, MONDO:0012581, OMIM 610915.

Allele frequency attached by ClinVar (database versions not stated): TOPMed below 0.00001.
gnomAD v4.1: 19 of 1,537,402 alleles (0.0012%); highest among the groups gnomAD compares: Non-Finnish European, 0.0014%; no homozygotes.

Submissions (2):

Labcorp Genetics (formerly Invitae), Labcorp
Classification: Likely benign for Osteogenesis imperfecta type 8. Last evaluated: 2026-02-01. Review status: criteria provided, single submitter. Criteria: Invitae Variant Classification Sherloc (09022015). Collection method: clinical testing. Allele origin: germline.

CeGaT Center for Human Genetics Tuebingen
Classification: Likely benign. Last evaluated: 2023-06-01. Review status: criteria provided, single submitter. Criteria: CeGaT Center For Human Genetics Tuebingen Variant Classification Criteria Version 2. Collection method: clinical testing. Allele origin: germline. Affected: yes. Observed: 1 variant allele.
Comment: P3H1: PM2:Supporting, BP4, BP7